The following is an entry in ClinVar:

ClinVar aggregate classification (germline): Uncertain significance (1 of 4 stars; one submission).

Conditions:
Neuropathy, hereditary sensory and autonomic, type 2A (HSAN2A). Also called: ACROOSTEOLYSIS, GIACCAI TYPE; ACROOSTEOLYSIS, NEUROGENIC; MORVAN DISEASE; NEUROPATHY, CONGENITAL SENSORY; NEUROPATHY, HEREDITARY SENSORY RADICULAR, AUTOSOMAL RECESSIVE; NEUROPATHY, HEREDITARY SENSORY, TYPE IIA. Identifiers: Orphanet 970, MedGen C2752089, MONDO:0024309, OMIM 201300.
Pseudohypoaldosteronism type 2C (PHA2C). Also called: Pseudohypoaldosteronism Type IIC. Identifiers: Orphanet 757, Orphanet 88940, MedGen C1840391, MONDO:0013778, OMIM 614492.

Submission:

Labcorp Genetics (formerly Invitae), Labcorp
Classification: Uncertain significance for Neuropathy, hereditary sensory and autonomic, type 2A; Pseudohypoaldosteronism type 2C. Last evaluated: 2023-04-16. Review status: criteria provided, single submitter. Criteria: Invitae Variant Classification Sherloc (09022015). Collection method: clinical testing. Allele origin: germline.
Comment: In summary, the available evidence is currently insufficient to determine the role of this variant in disease. Therefore, it has been classified as a Variant of Uncertain Significance. Advanced modeling of protein sequence and biophysical properties (such as structural, functional, and spatial information, amino acid conservation, physicochemical variation, residue mobility, and thermodynamic stability) performed at Invitae indicates that this missense variant is not expected to disrupt WNK1 protein function. This variant has not been reported in the literature in individuals affected with WNK1-related conditions. This variant is not present in population databases (gnomAD no frequency). This sequence change replaces tyrosine, which is neutral and polar, with serine, which is neutral and polar, at codon 955 of the WNK1 protein (p.Tyr955Ser).

NM_213655.5(WNK1):c.2864A>C (p.Tyr955Ser)

Gene: WNK1 (WNK lysine deficient protein kinase 1; plus strand). Cytogenetic location: 12p13.33.
Variant type: single nucleotide variant.
Coding change: c.2864A>C on transcript NM_213655.5 (MANE Plus Clinical); coding-DNA position 2864, A replaced by C.
Protein change: p.Tyr955Ser; replaces tyrosine 955 with serine.
Molecular consequence: missense variant. On other transcripts: intron variant (2).
Genome position (GRCh38, 1-based): chr12:868,335, A>C. VCF-style: chr12-868335-A-C. GRCh37 (hg19) VCF-style: chr12-977501-A-C.
Other names: c.2609A>C, p.Tyr870Ser (NM_001184985.2); c.2140-2930A>C (NM_018979.4, NM_014823.3); short protein forms Y870S, Y955S.
Identifiers: ClinVar variation 2946525 (VCV002946525.3), dbSNP rs2548790472, ClinGen allele CA383339779.